The following is an entry in ClinVar:

NM_018136.5(ASPM):c.581C>A (p.Ala194Asp)

Gene: ASPM (assembly factor for spindle microtubules; minus strand). Cytogenetic location: 1q31.3.
Variant type: single nucleotide variant.
Coding change: c.581C>A on transcript NM_018136.5 (MANE Select); coding-DNA position 581, C replaced by A.
Protein change: p.Ala194Asp; replaces alanine 194 with aspartic acid.
Molecular consequence: missense variant.
Genome position (GRCh38, 1-based): chr1:197,143,671, G>T on the plus strand (C>A on the coding strand, the complement: ASPM is on the minus strand). VCF-style: chr1-197143671-G-T. GRCh37 (hg19) VCF-style: chr1-197112801-G-T.
Other names: c.581C>A, p.Ala194Asp (NM_001206846.2); short protein forms A194D.
Identifiers: ClinVar variation 282730 (VCV000282730.24), dbSNP rs141532484, ClinGen allele CA1310847.

ClinVar aggregate classification (germline): Benign/Likely benign. Review status: criteria provided, multiple submitters, no conflicts (2 of 4 stars). 7 submissions from 7 submitters: Benign (4); Likely benign (2). 1 of the submissions does not count toward it. Last evaluated 2026-01-17.

Conditions:
ASPM-related disorder. Also called: ASPM-related condition.
Microcephaly 5, primary, autosomal recessive (MCPH5). Also called: ASPM Primary Microcephaly. Identifiers: Orphanet 2512, MedGen C1837501, MONDO:0012106, OMIM 608716.

Allele frequency attached by ClinVar (database versions not stated): gnomAD exomes 0.00026 and 0.00119; gnomAD 0.00038 and 0.00052; TOPMed 0.00058; ExAC 0.00104; 1000 Genomes Project 0.00359; 1000 Genomes Project 30x 0.00359.
gnomAD v4.1: 491 of 1,613,772 alleles (0.03%); highest among the groups gnomAD compares: East Asian, 0.93%; 4 homozygotes.

Submissions (7):

Labcorp Genetics (formerly Invitae), Labcorp
Classification: Benign. Last evaluated: 2026-01-17. Review status: criteria provided, single submitter. Criteria: Invitae Variant Classification Sherloc (09022015). Collection method: clinical testing. Allele origin: germline.

Genome-Nilou Lab
Classification: Likely benign for Microcephaly 5, primary, autosomal recessive. Last evaluated: 2023-04-11. Review status: criteria provided, single submitter. Criteria: ACMG Guidelines, 2015. Collection method: clinical testing. Allele origin: germline. Affected: no.

GeneDx
Classification: Benign. Last evaluated: 2018-07-18. Review status: criteria provided, single submitter. Criteria: GeneDx Variant Classification Process June 2021. Collection method: clinical testing. Allele origin: germline. Affected: yes.

Athena Diagnostics
Classification: Benign. Last evaluated: 2018-01-23. Review status: criteria provided, single submitter. Criteria: Athena Diagnostics Criteria. Collection method: clinical testing. Allele origin: germline.

Illumina Laboratory Services, Illumina
Classification: Likely benign for Microcephaly 5, primary, autosomal recessive. Last evaluated: 2018-01-13. Review status: criteria provided, single submitter. Criteria: ICSL Variant Classification Criteria 13 December 2019. Collection method: clinical testing. Allele origin: germline.
Comment: This variant was observed in the ICSL laboratory as part of a predisposition screen in an ostensibly healthy population. It had not been previously curated by ICSL or reported in the Human Gene Mutation Database (HGMD: prior to June 1st, 2018), and was therefore a candidate for classification through an automated scoring system. Utilizing variant allele frequency, disease prevalence and penetrance estimates, and inheritance mode, an automated score was calculated to assess if this variant is too frequent to cause the disease. Based on the score and internal cut-off values, a variant classified as likely benign is not then subjected to further curation. The score for this variant resulted in a classification of likely benign for this disease.

Eurofins Ntd Llc (ga)
Classification: Benign. Last evaluated: 2015-08-19. Review status: criteria provided, single submitter. Criteria: EGL Classification Definitions 2015. Collection method: clinical testing. Allele origin: germline. Observed: 1 variant allele, 1 heterozygote.

PreventionGenetics, part of Exact Sciences
Classification: Benign for ASPM-related condition. Last evaluated: 2019-11-14. Review status: no assertion criteria provided. Collection method: clinical testing. Allele origin: germline. Not counted in ClinVar's aggregate classification.
Comment: This variant is classified as benign based on ACMG/AMP sequence variant interpretation guidelines (Richards et al. 2015 PMID: 25741868, with internal and published modifications).